The following is an entry in ClinVar:

ClinVar aggregate classification (germline): Pathogenic. Review status: criteria provided, multiple submitters, no conflicts (2 of 4 stars). 5 submissions from 5 submitters: Pathogenic (4). 1 of the submissions does not count toward it. Last evaluated 2026-01-08.

Conditions:
CFTR-related disorder (CFTR-RD). Also called: CFTR-related disorders; CFTR-related condition. Identifiers: MedGen C5924204, MONDO:7770004.
Cystic fibrosis (CF). Also called: MUCOVISCIDOSIS. Identifiers: Orphanet 586, MedGen C0010674, MONDO:0009061, OMIM 219700. Disease mechanism: loss of function.

Allele frequency attached by ClinVar (database versions not stated): gnomAD exomes below 0.00001.
gnomAD v4.1: 1 of 1,501,294 alleles (0.000067%); highest among the groups gnomAD compares: Admixed American, 0.0017%; no homozygotes.

Submissions (5):

Women's Health and Genetics/Laboratory Corporation of America, LabCorp
Classification: Pathogenic for Cystic fibrosis. Last evaluated: 2026-01-08. Review status: criteria provided, single submitter. Criteria: LabCorp Variant Classification Summary - May 2015. Collection method: clinical testing. Allele origin: germline.
Comment: Variant summary: CFTR c.490-2A>G is located in a canonical splice-site and is predicted to affect mRNA splicing resulting in a significantly altered protein due to either exon skipping, shortening, or inclusion of intronic material. Variants that disrupt the consensus splice site are a relatively common cause of aberrant splicing and loss of CFTR function. Several computational tools predict a significant impact on normal splicing: Four predict the variant abolishes a canonical 3' acceptor site. Three predict the variant creates a cryptic 3' acceptor site. However, these predictions have yet to be confirmed by functional studies. The variant allele was found at a frequency of 4e-06 in 249286 control chromosomes. c.490-2A>G has been observed in individual(s) affected with Cystic Fibrosis (examples: OllerRamirez_2006, Marson_2013). These data indicate that the variant may be associated with disease. The following publications have been ascertained in the context of this evaluation (PMID: 16423550, 23857699). ClinVar contains an entry for this variant (Variation ID: 53975). Based on the evidence outlined above, the variant was classified as pathogenic.

Labcorp Genetics (formerly Invitae), Labcorp
Classification: Pathogenic for Cystic fibrosis. Last evaluated: 2025-09-21. Review status: criteria provided, single submitter. Criteria: Invitae Variant Classification Sherloc (09022015). Collection method: clinical testing. Allele origin: germline.
Comment: This sequence change affects an acceptor splice site in intron 4 of the CFTR gene. It is expected to disrupt RNA splicing. Variants that disrupt the donor or acceptor splice site typically lead to a loss of protein function (PMID: 16199547), and loss-of-function variants in CFTR are known to be pathogenic (PMID: 1695717, 7691345, 9725922). This variant is present in population databases (rs397508735, gnomAD 0.003%). Disruption of this splice site has been observed in individuals with cystic fibrosis (PMID: 16423550, 23857699). This variant is also known as 622-2A>G. ClinVar contains an entry for this variant (Variation ID: 53975). Algorithms developed to predict the effect of sequence changes on RNA splicing suggest that this variant may disrupt the consensus splice site. For these reasons, this variant has been classified as Pathogenic.

Dasa
Classification: Pathogenic. Last evaluated: 2025-06-23. Review status: criteria provided, single submitter. Criteria: DASA Assertion Criteria. Collection method: clinical testing. Allele origin: germline.
Comment: NM_000492.4(CFTR):c.490-2A>G introduces a premature termination codon predicted to result in loss of normal protein function. Loss-of-function is an established mechanism of disease for this gene. This variant has been observed in affected individuals with related phenotype in a genotype context consistent with recessive disease (PMID: 30996306; PMID: 25697318). This variant has been recurrently observed in individuals with related phenotype (PMID: 30996306; PMID: 25697318). The variant is present at low frequency in population datasets. Based on the available data, this variant is classified as pathogenic.

Natera, Inc.
Classification: Pathogenic for CFTR-related disorders. Last evaluated: 2024-03-25. Review status: criteria provided, single submitter. Criteria: Natera Variant Classification Schema (03/2026). Collection method: clinical testing. Allele origin: germline.
Comment: The c.490-2A>G variant in CFTR is a canonical splice acceptor site variant predicted to affect pre-mRNA splicing, which may result in an abnormal transcript and altered protein product. This variant is expected to result in nonsense mediated decay, truncation, or a dysfunctional protein product. This variant is rare in the general population with a frequency below the threshold expected for the associated phenotype(s). This variant has been observed in one or more individuals affected with the associated recessive disease, as either homozygous or compound heterozygous with a second variant (PMID: 23857699). Another variant at this same site results in an alteration predicted to cause a similar molecular effect has been observed in individual(s) with the associated phenotype. Given the available evidence, this variant is classified as Pathogenic.

ClinVar Staff, National Center for Biotechnology Information (NCBI)
No classification provided. Condition: CFTR-related disorders. Review status: no classification provided. Collection method: literature only. Allele origin: germline. Affected: yes. Not counted in ClinVar's aggregate classification.

Literature cited by the submitters: PubMed 16423550 (cited by 3 submitters); PubMed 23857699 (cited by 3 submitters); PubMed 16199547 (cited by Labcorp Genetics (formerly Invitae), Labcorp); PubMed 1695717 (cited by Labcorp Genetics (formerly Invitae), Labcorp); PubMed 7691345 (cited by Labcorp Genetics (formerly Invitae), Labcorp); PubMed 9725922 (cited by Labcorp Genetics (formerly Invitae), Labcorp); PubMed 30996306 (cited by Dasa); PubMed 25697318 (cited by Dasa).

NM_000492.4(CFTR):c.490-2A>G

Gene: CFTR (CF transmembrane conductance regulator; plus strand). Cytogenetic location: 7q31.2.
Variant type: single nucleotide variant.
Coding change: c.490-2A>G on transcript NM_000492.4 (MANE Select); the canonical splice acceptor site of the intron before coding-DNA position 490, A replaced by G.
Molecular consequence: splice acceptor variant.
Genome position (GRCh38, 1-based): chr7:117,534,274, A>G. VCF-style: chr7-117534274-A-G. GRCh37 (hg19) VCF-style: chr7-117174328-A-G.
Identifiers: ClinVar variation 53975 (VCV000053975.12), dbSNP rs397508735, ClinGen allele CA327534.
Genomic context (GRCh38, chr7:117,534,274, plus strand): 5'-TTACTTATAATATATTTGTATTTTGTTTGTTGAAATTATCTAACTTTCCATTTTTCTTTT[A>G]GACTTTAAAGCTGTCAAGCCGTGTTCTAGATAAAATAAGTATTGGACAACTTGTTAGTCT-3'